The following is an entry in ClinVar:

ClinVar aggregate classification (germline): Pathogenic. Review status: criteria provided, multiple submitters, no conflicts (2 of 4 stars). 4 submissions from 4 submitters: Pathogenic (3). 1 of the submissions does not count toward it. Last evaluated 2024-03-23.

Conditions:
Epidermolysis bullosa, junctional 3A, intermediate. Also called: EPIDERMOLYSIS BULLOSA, JUNCTIONAL 3A, GENERALIZED INTERMEDIATE; EPIDERMOLYSIS BULLOSA, JUNCTIONAL 3A, NON-HERLITZ TYPE. Identifiers: MedGen C5676938, MONDO:0030748, OMIM 619785.
Epidermolysis bullosa, junctional 3B, severe. Also called: EPIDERMOLYSIS BULLOSA, JUNCTIONAL 3B, GENERALIZED SEVERE; EPIDERMOLYSIS BULLOSA, JUNCTIONAL 3B, HERLITZ TYPE. Identifiers: MedGen C5676939, MONDO:0030749, OMIM 619786.
Junctional epidermolysis bullosa gravis of Herlitz. Also called: JEB-HERLITZ TYPE; Epidermolysis Bullosa Letalis; EPIDERMOLYSIS BULLOSA, JUNCTIONAL 1B, SEVERE; EPIDERMOLYSIS BULLOSA JUNCTIONALIS, HERLITZ TYPE; EPIDERMOLYSIS BULLOSA, JUNCTIONAL, HERLITZ-PEARSON TYPE; Herlitz-type junctional epidermolysis bullosa. Identifiers: Orphanet 79404, MedGen C0079683, MONDO:0009182, OMIM 226700.

Allele frequency attached by ClinVar (database versions not stated): gnomAD exomes below 0.00001; ExAC 0.00001.
gnomAD v4.1: 3 of 1,614,100 alleles (0.00019%); highest among the groups gnomAD compares: Non-Finnish European, 0.00025%; no homozygotes.

Submissions (4):

Fulgent Genetics
Classification: Pathogenic for Epidermolysis bullosa, junctional 3A, intermediate; Epidermolysis bullosa, junctional 3B, severe. Last evaluated: 2024-03-23. Review status: criteria provided, single submitter. Criteria: ACMG Guidelines, 2015. Collection method: clinical testing. Allele origin: germline.

Labcorp Genetics (formerly Invitae), Labcorp
Classification: Pathogenic. Last evaluated: 2023-08-30. Review status: criteria provided, single submitter. Criteria: Invitae Variant Classification Sherloc (09022015). Collection method: clinical testing. Allele origin: germline.
Comment: For these reasons, this variant has been classified as Pathogenic. ClinVar contains an entry for this variant (Variation ID: 188791). This premature translational stop signal has been observed in individual(s) with junctional epidermolysis bullosa (PMID: 15373767). This variant is present in population databases (rs753268823, gnomAD 0.0009%). This sequence change creates a premature translational stop signal (p.Arg223*) in the LAMC2 gene. It is expected to result in an absent or disrupted protein product. Loss-of-function variants in LAMC2 are known to be pathogenic (PMID: 11907499, 16473856).

Women's Health and Genetics/Laboratory Corporation of America, LabCorp
Classification: Pathogenic for Junctional epidermolysis bullosa gravis of Herlitz. Last evaluated: 2019-04-22. Review status: criteria provided, single submitter. Criteria: LabCorp Variant Classification Summary - May 2015. Collection method: clinical testing. Allele origin: germline.
Comment: Variant summary: LAMC2 c.667C>T (p.Arg223X) results in a premature termination codon, predicted to cause a truncation of the encoded protein or absence of the protein due to nonsense mediated decay, which are commonly known mechanisms for disease. Truncations downstream of this position have reported in patients in the literature (HGMD). The variant allele was found at a frequency of 4e-06 in 251492 control chromosomes (gnomAD). c.667C>T has been reported in the literature in a compound heterozygous patient who was affected by the most severe, Herlitz type of Junctional Epidermolysis Bullosa (Posteraro 2004, Castori 2008). One of these publications also reported that northern blot analysis of the patients RNA indicated the lack of WT mRNA, furthermore, the patient was negative for laminin-5 staining by immunofluorescence and had rudimentary hemidesmosomes by transmission electron microscopy (Posteraro 2004). No clinical diagnostic laboratories have submitted clinical-significance assessments for this variant to ClinVar after 2014. Based on the evidence outlined above, the variant was classified as pathogenic.

Counsyl
Classification: Likely pathogenic for Junctional epidermolysis bullosa gravis of Herlitz. Last evaluated: 2014-05-20. Review status: no assertion criteria provided. Collection method: literature only. Allele origin: unknown. Inheritance: Autosomal recessive inheritance. Not counted in ClinVar's aggregate classification.

Literature cited by the submitters: PubMed 15373767 (cited by 3 submitters); PubMed 11907499 (cited by Labcorp Genetics (formerly Invitae), Labcorp); PubMed 16473856 (cited by Labcorp Genetics (formerly Invitae), Labcorp); PubMed 17916201 (cited by Women's Health and Genetics/Laboratory Corporation of America, LabCorp).

NM_005562.3(LAMC2):c.667C>T (p.Arg223Ter)

Gene: LAMC2 (laminin subunit gamma 2; plus strand). Cytogenetic location: 1q25.3.
Variant type: single nucleotide variant.
Coding change: c.667C>T on transcript NM_005562.3 (MANE Select); coding-DNA position 667, C replaced by T.
Protein change: p.Arg223Ter; replaces arginine 223 with a stop codon.
Molecular consequence: nonsense.
Genome position (GRCh38, 1-based): chr1:183,222,115, C>T. VCF-style: chr1-183222115-C-T. GRCh37 (hg19) VCF-style: chr1-183191250-C-T.
Other names: c.667C>T, p.Arg223Ter (NM_018891.3); short protein forms R223*.
Identifiers: ClinVar variation 188791 (VCV000188791.15), dbSNP rs753268823, ClinGen allele CA273963.
Genomic context (GRCh38, chr1:183,222,115, plus strand): 5'-TGTCCAATGCAGACTGATTATGTTTGTGTTCCAGATGTTGATGGCTGGAAGGCTGTCCAA[C>T]GAAATGGGTCTCCTGCAAAGCTCCAATGGTCACAGCGCCATCAAGATGTGTTTAGCTCAG-3'